The following is an entry in ClinVar:

ClinVar aggregate classification (germline): Pathogenic. Review status: criteria provided, multiple submitters, no conflicts (2 of 4 stars). 2 submissions from 2 submitters: Pathogenic (2). Last evaluated 2023-03-19.

Conditions:
Hereditary cancer-predisposing syndrome. Also called: Hereditary neoplastic syndrome; Tumor predisposition; Neoplastic Syndromes, Hereditary; Hereditary Cancer Syndrome. Identifiers: Orphanet 140162, MedGen C0027672, MeSH D009386, MONDO:0015356.
Gorlin syndrome. Also called: Nevoid Basal Cell Carcinoma Syndrome; Basal cell nevus syndrome. Identifiers: Orphanet 377, MedGen C0004779, MONDO:0007187.

Submissions (2):

Labcorp Genetics (formerly Invitae), Labcorp
Classification: Pathogenic for Gorlin syndrome. Last evaluated: 2023-03-19. Review status: criteria provided, single submitter. Criteria: Invitae Variant Classification Sherloc (09022015). Collection method: clinical testing. Allele origin: germline.
Comment: For these reasons, this variant has been classified as Pathogenic. ClinVar contains an entry for this variant (Variation ID: 428829). This variant is also known as c.1792C>T. This premature translational stop signal has been observed in individual(s) with clinical features of PTCH1-related conditions (PMID: 16906569; Invitae). This variant is not present in population databases (gnomAD no frequency). This sequence change creates a premature translational stop signal (p.Arg602*) in the PTCH1 gene. It is expected to result in an absent or disrupted protein product. Loss-of-function variants in PTCH1 are known to be pathogenic (PMID: 16301862, 16419085).

Ambry Genetics
Classification: Pathogenic for Hereditary cancer-predisposing syndrome. Last evaluated: 2015-01-28. Review status: criteria provided, single submitter. Criteria: Ambry Variant Classification Scheme 2023. Collection method: clinical testing. Allele origin: germline.
Comment: The p.R602* pathogenic mutation (also known as c.1804C>T), located in coding exon 13 of the PTCH1 gene, results from a C to T substitution at nucleotide position 1804. This changes the amino acid from an arginine to a stop codon within coding exon 13. This mutation has been previously reported in a family affected with Gorlin syndrome (Wilson LC, Am. J. Med. Genet. A 2006 Dec; 140(23):2625-30). In addition to the clinical data presented in the literature, since premature stop codons are typically deleterious in nature, this alteration is interpreted as a disease-causing mutation (ACMG Recommendations for Standards for Interpretation and Reporting of Sequence Variations. Revision 2007. Genet Med. 2008;10:294).

Literature cited by the submitters: PubMed 16906569 (cited by Labcorp Genetics (formerly Invitae), Labcorp and Ambry Genetics); PubMed 16301862 (cited by Labcorp Genetics (formerly Invitae), Labcorp); PubMed 16419085 (cited by Labcorp Genetics (formerly Invitae), Labcorp).

NM_000264.5(PTCH1):c.1804C>T (p.Arg602Ter)

Genes: PTCH1 (patched 1; minus strand), LOC100507346 (uncharacterized LOC100507346; plus strand). Cytogenetic location: 9q22.32.
Variant type: single nucleotide variant.
Coding change: c.1804C>T on transcript NM_000264.5 (MANE Select); coding-DNA position 1804, C replaced by T.
Protein change: p.Arg602Ter; replaces arginine 602 with a stop codon.
Molecular consequence: nonsense. On other transcripts: non-coding transcript variant (2).
Genome position (GRCh38, 1-based): chr9:95,469,856, G>A on the plus strand (C>T on the coding strand, the complement: PTCH1 is on the minus strand). VCF-style: chr9-95469856-G-A. GRCh37 (hg19) VCF-style: chr9-98232138-G-A.
Other names: c.1606C>T, p.Arg536Ter (NM_001083602.3); c.1801C>T, p.Arg601Ter (NM_001083603.3); c.1351C>T, p.Arg451Ter (NM_001083604.3, NM_001083605.3, NM_001083606.3 and 1 more transcripts); c.1648C>T, p.Arg550Ter (NM_001354918.2); short protein forms R536*, R602*, R451*, R550*, R601*.
Identifiers: ClinVar variation 428829 (VCV000428829.8), dbSNP rs863224650, ClinGen allele CA374116308.